The following is an entry in ClinVar:

ClinVar aggregate classification (germline): Uncertain significance (1 of 4 stars; one submission).

Submission:

GeneDx
Classification: Uncertain significance. Last evaluated: 2023-03-27. Review status: criteria provided, single submitter. Criteria: GeneDx Variant Classification Process June 2021. Collection method: clinical testing. Allele origin: germline. Affected: yes.
Comment: Not observed at significant frequency in large population cohorts (gnomAD); In silico analysis supports that this missense variant does not alter protein structure/function; Has not been previously published as pathogenic or benign to our knowledge

NM_015057.5(MYCBP2):c.160G>C (p.Gly54Arg)

Genes: MYCBP2 (MYC binding protein 2; minus strand), LOC130009920 (ATAC-STARR-seq lymphoblastoid silent region 5418; plus strand). Cytogenetic location: 13q22.3.
Variant type: single nucleotide variant.
Coding change: c.160G>C on transcript NM_015057.5 (MANE Select); coding-DNA position 160, G replaced by C.
Protein change: p.Gly54Arg; replaces glycine 54 with arginine.
Molecular consequence: missense variant.
Genome position (GRCh38, 1-based): chr13:77,326,616, C>G on the plus strand (G>C on the coding strand, the complement: MYCBP2 is on the minus strand). VCF-style: chr13-77326616-C-G. GRCh37 (hg19) VCF-style: chr13-77900751-C-G.
Other names: short protein forms G54R.
Identifiers: ClinVar variation 2582035 (VCV002582035.1), dbSNP rs2550007927, ClinGen allele CA388445379.
Genomic context (GRCh38, chr13:77,326,616, plus strand): 5'-CCAGGGCCCGGCCTGACAGCAGCAGCTGGTAGTGACCCCGGGAGTCCGCGGCGGGTAGCC[C>G]CAGCCCCAGCCCCGCAGCAGCCACGGAGCCGTCGGGAACCGGCATGAACAGCGCCCCCGG-3'
Protein context (NP_055872.4, residues 44-64): GSVAAAGLGL[Gly54Arg]LPAADSRGHY